The following is an entry in ClinVar:

NM_000202.8(IDS):c.419-2A>G

Genes: IDS (iduronate 2-sulfatase; minus strand), LOC106050102 (IDS recombination region; plus strand). Cytogenetic location: Xq28.
Variant type: single nucleotide variant.
Coding change: c.419-2A>G on transcript NM_000202.8 (MANE Select); the canonical splice acceptor site of the intron before coding-DNA position 419, A replaced by G.
Molecular consequence: splice acceptor variant.
Genome position (GRCh38, 1-based): chrX:149,501,039, T>C on the plus strand (A>G on the coding strand, the complement: IDS is on the minus strand). VCF-style: chrX-149501039-T-C. GRCh37 (hg19) VCF-style: chrX-148582570-T-C.
Other names: c.149-2A>G (NM_001166550.4); c.419-2A>G (NM_006123.5).
Identifiers: ClinVar variation 997020 (VCV000997020.3), dbSNP rs2089476206, ClinGen allele CA414523345.

ClinVar aggregate classification (germline): Pathogenic. Review status: criteria provided, multiple submitters, no conflicts (2 of 4 stars). 2 submissions from 2 submitters: Pathogenic (2). Last evaluated 2024-06-07.

Conditions:
Mucopolysaccharidosis, MPS-II (MPS2). Also called: Mucopolysaccharidosis type 2; Hunter Syndrome; IDURONATE 2-SULFATASE DEFICIENCY; Mucopolysaccharidosis Type II; IDS deficiency; Sulfoiduronate sulfatase deficiency. Identifiers: Orphanet 580, Orphanet 79388, MedGen C0026705, MONDO:0010674, OMIM 309900.

Submissions (2):

Laboratory of Diagnosis and Therapy of Lysosomal Disorders, University of Padova
Classification: Pathogenic for Mucopolysaccharidosis, MPS-II. Last evaluated: 2024-06-07. Review status: criteria provided, single submitter. Criteria: ACMG Guidelines, 2015. Collection method: literature only. Allele origin: germline. Affected: yes. Observed: 7 variant alleles.
Comment: Null variant (PVS1_VeryStrong), Prevalence of the variant significantly increased in affected individuals compared with controls (PS4_Supporting), Absent from controls (or at low frequency) in gnomAD database (PM2_Moderate), Patient’s phenotype or family history highly specific for the disease (PP4_Moderate)

Classification method: ACMG Guidelines [PMID:25741868] with modifications

Department of Medical Genetics, Sanjay Gandhi Post Graduate Institute of Medical Sciences
Classification: Pathogenic for Mucopolysaccharidosis, MPS-II. Review status: criteria provided, single submitter. Criteria: ACMG Guidelines, 2015. Collection method: clinical testing. Allele origin: germline. Inheritance: X-linked recessive inheritance. Affected: yes. Observed: 1 variant allele, 1 hemizygote.

Literature cited by the submitters: PubMed 35144014 (cited by Laboratory of Diagnosis and Therapy of Lysosomal Disorders, University of Padova); PubMed 27351199 (cited by Laboratory of Diagnosis and Therapy of Lysosomal Disorders, University of Padova); PubMed 8281149 (cited by Laboratory of Diagnosis and Therapy of Lysosomal Disorders, University of Padova); PubMed 35005816 (cited by Laboratory of Diagnosis and Therapy of Lysosomal Disorders, University of Padova); PubMed 8111411 (cited by Laboratory of Diagnosis and Therapy of Lysosomal Disorders, University of Padova); PubMed 27246110 (cited by Laboratory of Diagnosis and Therapy of Lysosomal Disorders, University of Padova); PubMed 36713083 (cited by Laboratory of Diagnosis and Therapy of Lysosomal Disorders, University of Padova).